The following is an entry in ClinVar:

ClinVar aggregate classification (germline): Pathogenic (1 of 4 stars; one submission).

Conditions:
Autosomal recessive polycystic kidney disease (ARPKD). Also called: AR polycystic kidney disease. Identifiers: Orphanet 731, Orphanet 8378, MedGen C0085548, MeSH D017044, MONDO:0009889.

Submission:

Labcorp Genetics (formerly Invitae), Labcorp
Classification: Pathogenic for Autosomal recessive polycystic kidney disease. Last evaluated: 2023-04-13. Review status: criteria provided, single submitter. Criteria: Invitae Variant Classification Sherloc (09022015). Collection method: clinical testing. Allele origin: germline.
Comment: For these reasons, this variant has been classified as Pathogenic. This variant has not been reported in the literature in individuals affected with PKHD1-related conditions. This variant is not present in population databases (gnomAD no frequency). This sequence change creates a premature translational stop signal (p.Gly281Glufs*38) in the PKHD1 gene. It is expected to result in an absent or disrupted protein product. Loss-of-function variants in PKHD1 are known to be pathogenic (PMID: 19940839).

Literature cited by the submitters: PubMed 19940839.

NM_138694.4(PKHD1):c.840del (p.Gly281fs)

Gene: PKHD1 (PKHD1 ciliary IPT domain containing fibrocystin/polyductin; minus strand). Cytogenetic location: 6p12.2.
Variant type: Deletion.
Coding change: c.840del on transcript NM_138694.4 (MANE Select); coding-DNA position 840, one base deleted (A; older notation c.840delA).
Protein change: p.Gly281fs; shifts the reading frame from glycine 281.
Molecular consequence: frameshift variant.
Genome position (GRCh38, 1-based): chr6:52,066,016, T deleted on the plus strand (A on the coding strand, the reverse complement: PKHD1 is on the minus strand). VCF-style (leftmost placement, unchanged base first): chr6-52066015-CT-C. GRCh37 (hg19) VCF-style: chr6-51930813-CT-C.
Other names: c.840del, p.Gly281fs (NM_170724.3); short protein forms G281fs.
Identifiers: ClinVar variation 2855904 (VCV002855904.3), dbSNP rs753859207, ClinGen allele CA138919894.
Genomic context (GRCh38, chr6:52,066,015, plus strand): 5'-CAGCCATTTCATCATAGTTACCTGCAATGGTAACCTGGGCAGAATTGTCAAAAAAGTCTC[CT>C]GTAATTGTGATGTTTGTTCTTCCCCCAAGGCTCCCAGTTTCTGGAAACACAGATAATATT-3'